The following is an entry in ClinVar:

ClinVar aggregate classification (germline): Uncertain significance (1 of 4 stars; one submission).

Conditions:
Hereditary cancer-predisposing syndrome. Also called: Hereditary neoplastic syndrome; Neoplastic Syndromes, Hereditary; Tumor predisposition; Hereditary Cancer Syndrome. Identifiers: Orphanet 140162, MedGen C0027672, MeSH D009386, MONDO:0015356.

Submission:

Ambry Genetics
Classification: Uncertain significance for Hereditary cancer-predisposing syndrome. Last evaluated: 2025-08-27. Review status: criteria provided, single submitter. Criteria: Ambry Variant Classification Scheme 2023. Collection method: clinical testing. Allele origin: germline.
Comment: The p.N545H variant (also known as c.1633A>C), located in coding exon 16 of the MUTYH gene, results from an A to C substitution at nucleotide position 1633. The asparagine at codon 545 is replaced by histidine, an amino acid with similar properties. This amino acid position is conserved. In addition, this alteration is predicted to be tolerated by in silico analysis. Based on the available evidence, the clinical significance of this variant remains unclear.

NM_001048174.2(MUTYH):c.1549A>C (p.Asn517His)

Gene: MUTYH (mutY DNA glycosylase; minus strand). Cytogenetic location: 1p34.1.
Variant type: single nucleotide variant.
Coding change: c.1549A>C on transcript NM_001048174.2 (MANE Select); coding-DNA position 1549, A replaced by C.
Protein change: p.Asn517His; replaces asparagine 517 with histidine.
Molecular consequence: missense variant. On other transcripts: non-coding transcript variant (7).
Genome position (GRCh38, 1-based): chr1:45,329,323, T>G on the plus strand (A>C on the coding strand, the complement: MUTYH is on the minus strand). VCF-style: chr1-45329323-T-G. GRCh37 (hg19) VCF-style: chr1-45794995-T-G.
Other names: c.1549A>C, p.Asn517His (NM_001407073.1, NM_001407081.1, NM_001048171.2 and 6 more transcripts); c.1465A>C, p.Asn489His (NM_001407075.1); c.1582A>C, p.Asn528His (NM_001407077.1, NM_001293191.2, NM_001407069.1); c.1552A>C, p.Asn518His (NM_001407078.1, NM_001048172.2, NM_001407071.1 and 1 more transcripts); c.1510A>C, p.Asn504His (NM_001407079.1); c.1507A>C, p.Asn503His (NM_001407080.1); c.1204A>C, p.Asn402His (NM_001407082.1, NM_001350650.2, NM_001350651.2); c.1591A>C, p.Asn531His (NM_001407083.1, NM_001407085.1); and 5 more; short protein forms N402H, N425H, N489H, N503H, N518H, N524H, N545H, N532H.
Identifiers: ClinVar variation 4113472 (VCV004113472.1).